The following is an entry in ClinVar:

ClinVar aggregate classification (germline): Pathogenic (1 of 4 stars; one submission).

Conditions:
Intellectual disability. Also called: intellectual disabilities; Intellectual developmental disorder; Intellectual functioning disability. Identifiers: MedGen C3714756, MeSH D008607, MONDO:0001071, HP:0001249.

Submission:

Cytogénomique, Hospices Civils de Lyon
Classification: Pathogenic for Intellectual disability. Last evaluated: 2021-05-20. Review status: criteria provided, single submitter. Criteria: ACMG Guidelines, 2015. Collection method: clinical testing. Allele origin: de novo. Inheritance: Sporadic. Affected: yes. Observed: 1 variant allele, 1 heterozygote.
Comment: de novo frameshift variant absent from gnomAD

NM_138927.4(SON):c.3334del (p.Arg1112fs)

Gene: SON (SON DNA and RNA binding protein; plus strand). Cytogenetic location: 21q22.11.
Variant type: Deletion.
Coding change: c.3334del on transcript NM_138927.4 (MANE Select); coding-DNA position 3334, one base deleted (C; older notation c.3334delC).
Protein change: p.Arg1112fs; shifts the reading frame from arginine 1112.
Molecular consequence: frameshift variant. On other transcripts: non-coding transcript variant (1), intron variant (1).
Genome position (GRCh38, 1-based): chr21:33,552,565, C deleted; the last of 2 consecutive C bases (chr21:33,552,564-33,552,565); deleting either gives the same sequence. VCF-style (leftmost placement, unchanged base first): chr21-33552563-AC-A. GRCh37 (hg19) VCF-style: chr21-34924869-AC-A.
Other names: c.3334del, p.Arg1112fs (NM_001291411.2, NM_032195.3); c.245-4591del (NM_001291412.3); short protein forms R1112fs.
Identifiers: ClinVar variation 1098838 (VCV001098838.1), dbSNP rs2145828175, ClinGen allele CA2499225860.